The following is an entry in ClinVar:

NC_012920.1(MT-TK):m.8299G>A

Gene: MT-TK (mitochondrially encoded tRNA lysine; plus strand).
Variant type: single nucleotide variant.
Genome position: chrM-8299-G-A.
Identifiers: ClinVar variation 690063 (VCV000690063.2), dbSNP rs1603221391, ClinGen allele CA913178873.

ClinVar aggregate classification (germline): Uncertain significance. Review status: reviewed by expert panel (3 of 4 stars). 2 submissions from 2 submitters: Uncertain significance (1). 1 of the submissions does not count toward it. Last evaluated 2024-07-22.

Conditions:
Mitochondrial disease. Also called: Mitochondrial disorder; Mitochondrial disorders. Identifiers: Orphanet 68380, MedGen C0751651, MeSH D028361, MONDO:0044970.
MELAS syndrome (MELAS). Also called: Juvenile myopathy, encephalopathy, lactic acidosis, stroke. Identifiers: Orphanet 550, MedGen C0162671, MONDO:0010789, OMIM 540000.

Submissions (2):

ClinGen Mitochondrial Disease Nuclear and Mitochondrial  Variant Curation Expert Panel, ClinGen
Classification: Uncertain significance for Mitochondrial disease. Last evaluated: 2024-07-22. Review status: reviewed by expert panel. Criteria: clingen mito disease acmg specifications v1-1. Collection method: curation. Allele origin: germline. Inheritance: Mitochondrial inheritance.
Comment: Brain imaging showed slight cerebellar and cerebral atrophy and some lacunar infarcts in the basal ganglia. Muscle biopsy showed ragged red fibers, COX-negative fibers, and decreased activities of respiratory chain complexes I and IV. The variant was present at 50% heteroplasmy in muscle and was undetectable in blood. Samples from family members were not available for testing. This variant is absent in the GenBank dataset, Helix dataset, and gnomAD v3.1.2 (PM2_supporting). The computational predictor MitoTIP suggests this variant is pathogenic (63.8 percentile) and HmtVAR predicts it to be pathogenic score of 0.35 (PP3). There are no cybrids or single fiber studies reported on this variant. In summary, this variant meets criteria to be classified as uncertain significance for primary mitochondrial disease inherited in a mitochondrial manner. This classification was approved by the NICHD/NINDS U24 ClinGen Mitochondrial Disease Variant Curation Expert Panel on July 22, 2024. Mitochondrial DNA-specific ACMG/AMP criteria applied (PMID: 32906214): PM2_supporting, PP3.

Wong Mito Lab, Molecular and Human Genetics, Baylor College of Medicine
Classification: Likely pathogenic for MELAS syndrome. Last evaluated: 2019-07-12. Review status: criteria provided, single submitter. Criteria: Modified ACMG Guidelines (Unpublished). Collection method: clinical testing. Allele origin: germline. Not counted in ClinVar's aggregate classification.
Comment: The NC_012920.1:m.8299G>A variant in MT-TK gene is interpreted to be a Likely Pathogenic variant based on the modified ACMG guidelines (unpublished). This variant meets the following evidence codes reported in the guidelines: PM8, PM10, PP3, PP6

Literature cited by the submitters: PubMed 31965079 (cited by Wong Mito Lab, Molecular and Human Genetics, Baylor College of Medicine); PubMed 22326363 (cited by Wong Mito Lab, Molecular and Human Genetics, Baylor College of Medicine).